The following is an entry in ClinVar:

ClinVar aggregate classification (germline): Likely benign (1 of 4 stars; one submission).

Allele frequency attached by ClinVar (database versions not stated): gnomAD 0.00002; TOPMed 0.00002; gnomAD exomes 0.00003; ExAC 0.00004; ESP Exome Variant Server 0.00008.
gnomAD v4.1: 44 of 1,613,396 alleles (0.0027%); highest among the groups gnomAD compares: Middle Eastern, 0.033%; no homozygotes.

Submission:

CeGaT Center for Human Genetics Tuebingen
Classification: Likely benign. Last evaluated: 2022-07-01. Review status: criteria provided, single submitter. Criteria: CeGaT Center For Human Genetics Tuebingen Variant Classification Criteria Version 2. Collection method: clinical testing. Allele origin: germline. Affected: yes. Observed: 1 variant allele.
Comment: MYO1F: BP4, BP7

NM_012335.4(MYO1F):c.252G>A (p.Pro84=)

Gene: MYO1F (myosin IF; minus strand). Cytogenetic location: 19p13.2.
Variant type: single nucleotide variant.
Coding change: c.252G>A on transcript NM_012335.4 (MANE Select); coding-DNA position 252, G replaced by A.
Protein change: p.Pro84=; no amino-acid change (proline 84 retained).
Molecular consequence: synonymous variant.
Genome position (GRCh38, 1-based): chr19:8,554,551, C>T on the plus strand (G>A on the coding strand, the complement: MYO1F is on the minus strand). VCF-style: chr19-8554551-C-T. GRCh37 (hg19) VCF-style: chr19-8619435-C-T.
Other names: c.252G>A, p.Pro84= (NM_001348355.2).
Identifiers: ClinVar variation 2649210 (VCV002649210.24), dbSNP rs377374275, ClinGen allele CA9159750.
Genomic context (GRCh38, chr19:8,554,551, plus strand): 5'-CTGGTTCTCACAGTCGATAAGCATGTTCCGGTACATGTTGTCCGTGAGGGCGTAGATGTG[C>T]GGGGGATTCTCATACTGGGCCTGGCAGGGGAGGTCAGGTCTCAGCCCAGGGCTGGGGGCC-3'
Protein context (NP_036467.2, residues 74-94): YQGAAQYENP[Pro84=]HIYALTDNMY